The following is an entry in ClinVar:

NC_000016.10:g.67660393A>C

Genes: ACD (ACD shelterin complex subunit and telomerase recruitment factor; minus strand), LOC130059224 (ATAC-STARR-seq lymphoblastoid silent region 7617; plus strand). Cytogenetic location: 16q22.1.
Variant type: single nucleotide variant.
Genome position: GRCh38 VCF-style: chr16-67660393-A-C. GRCh37 (hg19) VCF-style: chr16-67694296-A-C.
Other names: short protein forms L29R.
Identifiers: ClinVar variation 1764369 (VCV001764369.4), dbSNP rs755492638, ClinGen allele CA396359851.

ClinVar aggregate classification (germline): Uncertain significance. Review status: criteria provided, multiple submitters, no conflicts (2 of 4 stars). 2 submissions from 2 submitters: Uncertain significance (2). Last evaluated 2024-11-09.

Conditions:
Inborn genetic diseases. Identifiers: MedGen C0950123, MeSH D030342.
Dyskeratosis congenita, autosomal dominant 6 (DKCA6). Identifiers: Orphanet 3322, MedGen C4225284, MONDO:0014690, OMIM 616553.

Allele frequency attached by ClinVar (database versions not stated): gnomAD 0.00001.

Submissions (2):

Labcorp Genetics (formerly Invitae), Labcorp
Classification: Uncertain significance for Dyskeratosis congenita, autosomal dominant 6. Last evaluated: 2024-11-09. Review status: criteria provided, single submitter. Criteria: Invitae Variant Classification Sherloc (09022015). Collection method: clinical testing. Allele origin: germline.
Comment: This sequence change replaces leucine, which is neutral and non-polar, with arginine, which is basic and polar, at codon 29 of the ACD protein (p.Leu29Arg). This variant is present in population databases (no rsID available, gnomAD 0.002%). This variant has not been reported in the literature in individuals affected with ACD-related conditions. ClinVar contains an entry for this variant (Variation ID: 1764369). An algorithm developed to predict the effect of missense changes on protein structure and function (PolyPhen-2) suggests that this variant is likely to be tolerated. In summary, the available evidence is currently insufficient to determine the role of this variant in disease. Therefore, it has been classified as a Variant of Uncertain Significance.

Ambry Genetics
Classification: Uncertain significance for Inborn genetic diseases. Last evaluated: 2023-10-08. Review status: criteria provided, single submitter. Criteria: Ambry Variant Classification Scheme 2023. Collection method: clinical testing. Allele origin: germline.
Comment: The p.L29R variant (also known as c.86T>G), located in coding exon 1 of the ACD gene, results from a T to G substitution at nucleotide position 86. The leucine at codon 29 is replaced by arginine, an amino acid with dissimilar properties. This amino acid position is conserved. In addition, this alteration is predicted to be tolerated by in silico analysis. Since supporting evidence is limited at this time, the clinical significance of this alteration remains unclear.